The following is an entry in ClinVar:

ClinVar aggregate classification (germline): Pathogenic (1 of 4 stars; one submission).

Conditions:
Hereditary nonpolyposis colorectal neoplasms. Identifiers: MedGen C0009405, MeSH D003123.

Submission:

Labcorp Genetics (formerly Invitae), Labcorp
Classification: Pathogenic for Hereditary nonpolyposis colorectal neoplasms. Last evaluated: 2021-11-22. Review status: criteria provided, single submitter. Criteria: Invitae Variant Classification Sherloc (09022015). Collection method: clinical testing. Allele origin: germline.
Comment: This variant is a gross deletion of the genomic region encompassing exon(s) 11 of the PMS2 gene. This deletion is out-of-frame, and is expected to create a premature termination codon and result in an absent or disrupted protein product. Loss-of-function variants in PMS2 are known to be pathogenic (PMID: 21376568, 24362816). A similar copy number variant has been observed in individual(s) with colorectal cancer and/or Lynch syndrome (PMID: 25512458, 30521064). This variant disrupts the MLH1 interaction domain of the PMS2 protein, which has been shown to be critical for PMS2-MLH1 dimerization (PMID: 10037723), and therefore mismatch repair activity (PMID: 16338176, 20533529). While functional studies have not been performed to directly test the effect of this variant on PMS2 protein function, this suggests that disruption of this region of the protein is causative of disease. For these reasons, this variant has been classified as Pathogenic.

Literature cited by the submitters: PubMed 21376568; PubMed 24362816; PubMed 25512458; PubMed 30521064; PubMed 10037723; PubMed 16338176; PubMed 20533529.

NC_000007.14:g.(?_5986749)_(5987630_?)del

Gene: PMS2 (PMS1 homolog 2, mismatch repair system component; minus strand). Cytogenetic location: 7p22.1.
Variant type: Deletion.
Identifiers: ClinVar variation 662870 (VCV000662870.3).